The following is an entry in ClinVar:

ClinVar aggregate classification (germline): Pathogenic (1 of 4 stars; one submission).

Conditions:
Walker-Warburg congenital muscular dystrophy. Also called: Muscular dystrophy-dystroglycanopathy, type A; Walker-Warburg syndrome. Identifiers: Orphanet 899, MedGen C0265221, MONDO:0000171.

Submission:

Labcorp Genetics (formerly Invitae), Labcorp
Classification: Pathogenic for Walker-Warburg congenital muscular dystrophy. Last evaluated: 2021-11-30. Review status: criteria provided, single submitter. Criteria: Invitae Variant Classification Sherloc (09022015). Collection method: clinical testing. Allele origin: germline.
Comment: For these reasons, this variant has been classified as Pathogenic. This variant disrupts a region of the FKRP protein in which other variant(s) (p.Leu452Cysfs*38) have been determined to be pathogenic (Invitae). This suggests that this is a clinically significant region of the protein, and that variants that disrupt it are likely to be disease-causing. This variant has not been reported in the literature in individuals affected with FKRP-related conditions. This variant is not present in population databases (gnomAD no frequency). This sequence change creates a premature translational stop signal (p.Ala241Glyfs*13) in the FKRP gene. While this is not anticipated to result in nonsense mediated decay, it is expected to disrupt the last 255 amino acid(s) of the FKRP protein.

NM_024301.5(FKRP):c.722_791del (p.Ala241fs)

Gene: FKRP (fukutin related protein; plus strand). Cytogenetic location: 19q13.32.
Variant type: Deletion.
Coding change: c.722_791del on transcript NM_024301.5 (MANE Select); coding-DNA positions 722 to 791, 70 bases deleted.
Protein change: p.Ala241fs; shifts the reading frame from alanine 241.
Molecular consequence: frameshift variant.
Genome position (GRCh38, 1-based): chr19:46,756,172-46,756,241, 70 bases deleted. GRCh37 (hg19): chr19:47,259,429-47,259,498.
Other names: c.722_791del, p.Ala241fs (NM_001039885.3); short protein forms A241fs.
Identifiers: ClinVar variation 2017901 (VCV002017901.4), dbSNP rs2513991243, ClinGen allele CA2580097438.